The following is an entry in ClinVar:

NM_001127222.2(CACNA1A):c.2408G>A (p.Trp803Ter)

Gene: CACNA1A (calcium voltage-gated channel subunit alpha1 A; minus strand). Cytogenetic location: 19p13.13.
Variant type: single nucleotide variant.
Coding change: c.2408G>A on transcript NM_001127222.2 (MANE Select); coding-DNA position 2408, G replaced by A.
Protein change: p.Trp803Ter; replaces tryptophan 803 with a stop codon.
Molecular consequence: nonsense.
Genome position (GRCh38, 1-based): chr19:13,299,225, C>T on the plus strand (G>A on the coding strand, the complement: CACNA1A is on the minus strand). VCF-style: chr19-13299225-C-T. GRCh37 (hg19) VCF-style: chr19-13410039-C-T.
Other names: c.2420G>A, p.Trp807Ter (NM_000068.4, NM_023035.3); c.2411G>A, p.Trp804Ter (NM_001127221.2, NM_001174080.2); short protein forms W803*, W804*, W807*.
Identifiers: ClinVar variation 650983 (VCV000650983.7), dbSNP rs1600274038, ClinGen allele CA404343518.
Genomic context (GRCh38, chr19:13,299,225, plus strand): 5'-AGCGGCCGGTCCAAGTGCGTCTTCATGTCTGGCCGCAGGTGCCGCGTGTAGGCAGCCTTC[C>T]AGCGCTCGTCCGGGTCCATTTCGTTATACAGGGCCTCCCGGCTGGCCAGCAAGTTCTGCT-3'

ClinVar aggregate classification (germline): Pathogenic (1 of 4 stars; one submission).

Conditions:
Developmental and epileptic encephalopathy, 42 (DEE42A). Also called: Epileptic encephalopathy, early infantile, 42; DEVELOPMENTAL AND EPILEPTIC ENCEPHALOPATHY 42A; EPILEPTIC ENCEPHALOPATHY, EARLY INFANTILE, 42A. Identifiers: MedGen C4310716, MONDO:0014917, OMIM 617106.
Episodic ataxia type 2 (EA2). Also called: CEREBELLAR ATAXIA, PAROXYSMAL, ACETAZOLAMIDE-RESPONSIVE; CEREBELLOPATHY, HEREDITARY PAROXYSMAL; EPISODIC ATAXIA, NYSTAGMUS-ASSOCIATED; ATAXIA, EPISODIC, WITH NYSTAGMUS; ATAXIA, FAMILIAL PAROXYSMAL; ACETAZOLAMIDE-RESPONSIVE HEREDITARY PAROXYSMAL CEREBELLAR ATAXIA. Identifiers: Orphanet 97, MedGen C1720416, MONDO:0007163, OMIM 108500.

Submission:

Labcorp Genetics (formerly Invitae), Labcorp
Classification: Pathogenic for Developmental and epileptic encephalopathy, 42; Episodic ataxia type 2. Last evaluated: 2018-10-04. Review status: criteria provided, single submitter. Criteria: Invitae Variant Classification Sherloc (09022015). Collection method: clinical testing. Allele origin: germline.
Comment: This sequence change creates a premature translational stop signal (p.Trp804*) in the CACNA1A gene. It is expected to result in an absent or disrupted protein product. This variant is not present in population databases (ExAC no frequency). This variant has not been reported in the literature in individuals with CACNA1A-related disease. Loss-of-function variants in CACNA1A are known to be pathogenic (PMID: 10371528, 19486177, 25735478, 27250579). For these reasons, this variant has been classified as Pathogenic.

Literature cited by the submitters: PubMed 10371528; PubMed 19486177; PubMed 25735478; PubMed 27250579.